The following is an entry in ClinVar:

NM_014915.3(ANKRD26):c.21G>T (p.Lys7Asn)

Genes: ANKRD26 (ankyrin repeat domain 26; minus strand), LOC130003554 (ATAC-STARR-seq lymphoblastoid silent region 2243; plus strand). Cytogenetic location: 10p12.1.
Variant type: single nucleotide variant.
Coding change: c.21G>T on transcript NM_014915.3 (MANE Select); coding-DNA position 21, G replaced by T.
Protein change: p.Lys7Asn; replaces lysine 7 with asparagine.
Molecular consequence: missense variant.
Genome position (GRCh38, 1-based): chr10:27,100,306, C>A on the plus strand (G>T on the coding strand, the complement: ANKRD26 is on the minus strand). VCF-style: chr10-27100306-C-A. GRCh37 (hg19) VCF-style: chr10-27389235-C-A.
Other names: c.21G>T, p.Lys7Asn (NM_001256053.2); short protein forms K7N.
Identifiers: ClinVar variation 3367267 (VCV003367267.6).
Genomic context (GRCh38, chr10:27,100,306, plus strand): 5'-CCCGCCTCCCGCGCTGCTCCTCTGCCGCCGCGCGAAGGAGCCCAAGGGCGACTCGCCCTT[C>A]TTACTAAAAATCTTCTTCATGGCCCAGGCGACCGGGCTTCAGAGACACCTCATGTCTCTC-3'
Protein context (NP_055730.2, residues 1-17): MKKIFS[Lys7Asn]KGESPLGSFA

ClinVar aggregate classification (germline): Uncertain significance. Review status: criteria provided, multiple submitters, no conflicts (2 of 4 stars). 4 submissions from 4 submitters: Uncertain significance (4). Last evaluated 2025-08-11.

Conditions:
Inborn genetic diseases. Identifiers: MedGen C0950123, MeSH D030342.
Thrombocytopenia 2 (THC2). Also called: ANKRD26-Related Thrombocytopenia. Identifiers: Orphanet 268322, MedGen C1861185, MONDO:0008555, OMIM 188000.

gnomAD v4.1: 15 of 1,609,328 alleles (0.00093%); highest among the groups gnomAD compares: Non-Finnish European, 0.0012%; no homozygotes.

Submissions (4):

Labcorp Genetics (formerly Invitae), Labcorp
Classification: Uncertain significance. Last evaluated: 2025-08-11. Review status: criteria provided, single submitter. Criteria: Invitae Variant Classification Sherloc (09022015). Collection method: clinical testing. Allele origin: germline.
Comment: This sequence change replaces lysine, which is basic and polar, with asparagine, which is neutral and polar, at codon 7 of the ANKRD26 protein (p.Lys7Asn). This variant is not present in population databases (gnomAD no frequency). This variant has not been reported in the literature in individuals affected with ANKRD26-related conditions. ClinVar contains an entry for this variant (Variation ID: 3367267). An algorithm developed to predict the effect of missense changes on protein structure and function (PolyPhen-2) suggests that this variant is likely to be tolerated. In summary, the available evidence is currently insufficient to determine the role of this variant in disease. Therefore, it has been classified as a Variant of Uncertain Significance.

GeneDx
Classification: Uncertain significance. Last evaluated: 2025-06-16. Review status: criteria provided, single submitter. Criteria: GeneDx Variant Classification Process June 2021. Collection method: clinical testing. Allele origin: germline.
Comment: Not observed at significant frequency in large population cohorts (gnomAD); In silico analysis suggests that this missense variant does not alter protein structure/function; Has not been previously published as pathogenic or benign to our knowledge

Ambry Genetics
Classification: Uncertain significance for Inborn genetic diseases. Last evaluated: 2025-04-01. Review status: criteria provided, single submitter. Criteria: Ambry Variant Classification Scheme 2023. Collection method: clinical testing. Allele origin: germline.
Comment: The p.K7N variant (also known as c.21G>T), located in coding exon 1 of the ANKRD26 gene, results from a G to T substitution at nucleotide position 21. The lysine at codon 7 is replaced by asparagine, an amino acid with similar properties. This amino acid position is conserved. In addition, this alteration is predicted to be tolerated by in silico analysis. Based on the available evidence, the clinical significance of this variant remains unclear.

ARUP Laboratories, Molecular Genetics and Genomics, ARUP Laboratories
Classification: Uncertain significance for Thrombocytopenia 2. Last evaluated: 2024-10-14. Review status: criteria provided, single submitter. Criteria: ARUP Molecular Germline Variant Investigation Process 2024. Collection method: clinical testing. Allele origin: germline.
Comment: The ANKRD26 c.21G>T; p.Lys7Asn variant (rs1382287755), to our knowledge, is not reported in the medical literature or gene specific databases. This variant is also absent from the Genome Aggregation Database (v2.1.1), indicating it is not a common polymorphism. Computational analyses predict that this variant is neutral (REVEL: 0.018). Due to limited information, the clinical significance of this variant is uncertain at this time.